The following is an entry in ClinVar:

ClinVar aggregate classification (germline): Conflicting classifications of pathogenicity. Review status: criteria provided, conflicting classifications (1 of 4 stars). 7 submissions from 5 submitters: Uncertain significance (1); Benign (1); Likely benign (5). Last evaluated 2026-02-10.

Conditions:
Distal spinal muscular atrophy. Also called: Distal hereditary motor neuronopathy; Distal hereditary motor neuropathy. Identifiers: Orphanet 53739, MedGen C0393541, MONDO:0018894.
Charcot-Marie-Tooth disease type 2D (CMT2D). Also called: CHARCOT-MARIE-TOOTH DISEASE, AXONAL, TYPE 2D; GARS1 Adolescent- or Early Adult-Onset Hereditary Motor/Sensory Neuropathy (GARS1-HMSN); Charcot-Marie-Tooth Neuropathy Type 2D; CHARCOT-MARIE-TOOTH DISEASE, NEURONAL, TYPE 2D. Identifiers: Orphanet 99938, MedGen C1832274, MONDO:0011091, OMIM 601472.
Charcot-Marie-Tooth disease type 2. Also called: Charcot-Marie-Tooth type 2. Identifiers: Orphanet 64746, MedGen C0270914, MONDO:0018993.
Neuronopathy, distal hereditary motor, type 5A (HMND5). Also called: DHMN VA; NEURONOPATHY, DISTAL HEREDITARY MOTOR, AUTOSOMAL DOMINANT 5; Distal Spinal Muscular Atrophy V; Distal Spinal Muscular Atrophy V (dSMA-V). Identifiers: Orphanet 139536, MedGen CN031873, MONDO:0015353, OMIM 600794.

Allele frequency attached by ClinVar (database versions not stated): TOPMed 0.00005; ExAC 0.00008; gnomAD exomes 0.00008; gnomAD 0.00009 and 0.00010.
gnomAD v4.1: 128 of 1,612,890 alleles (0.0079%); highest among the groups gnomAD compares: Admixed American, 0.0083%; no homozygotes.

Submissions (7):

Women's Health and Genetics/Laboratory Corporation of America, LabCorp
Classification: Benign. Last evaluated: 2026-02-10. Review status: criteria provided, single submitter. Criteria: LabCorp Variant Classification Summary - May 2015. Collection method: clinical testing. Allele origin: germline.
Comment: Variant summary: GARS1 c.765G>A alters a conserved nucleotide resulting in a synonymous change. Consensus agreement among computation tools predict no significant impact on normal splicing. However, these predictions have yet to be confirmed by functional studies. The variant allele was found at a frequency of 7.8e-05 in 280792 control chromosomes. The observed variant frequency exceeds the estimated maximal expected allele frequency for disease-causing variants in GARS1. To our knowledge, no occurrence of c.765G>A in individuals affected with GARS1-related conditions and no experimental evidence demonstrating its impact on protein function have been reported. ClinVar contains an entry for this variant (Variation ID: 360006). Based on the evidence outlined above, the variant was classified as benign.

Labcorp Genetics (formerly Invitae), Labcorp
Classification: Likely benign for Charcot-Marie-Tooth disease type 2. Last evaluated: 2025-12-19. Review status: criteria provided, single submitter. Criteria: Invitae Variant Classification Sherloc (09022015). Collection method: clinical testing. Allele origin: germline.

CeGaT Center for Human Genetics Tuebingen
Classification: Likely benign. Last evaluated: 2020-09-01. Review status: criteria provided, single submitter. Criteria: CeGaT Center For Human Genetics Tuebingen Variant Classification Criteria Version 2. Collection method: clinical testing. Allele origin: germline. Affected: yes. Observed: 1 variant allele.

Ambry Genetics
Classification: Likely benign. Last evaluated: 2019-07-11. Review status: criteria provided, single submitter. Criteria: Ambry Variant Classification Scheme 2023. Collection method: clinical testing. Allele origin: germline.

Illumina Laboratory Services, Illumina
Classification: Uncertain significance for Charcot-Marie-Tooth disease type 2D. Last evaluated: 2018-01-12. Review status: criteria provided, single submitter. Criteria: ICSL Variant Classification Criteria 13 December 2019. Collection method: clinical testing. Allele origin: germline.

Illumina Laboratory Services, Illumina
Classification: Likely benign for Distal Spinal Muscular Atrophy. Last evaluated: 2018-01-12. Review status: criteria provided, single submitter. Criteria: ICSL Variant Classification Criteria 13 December 2019. Collection method: clinical testing. Allele origin: germline.
Comment: This variant was observed in the ICSL laboratory as part of a predisposition screen in an ostensibly healthy population. It had not been previously curated by ICSL or reported in the Human Gene Mutation Database (HGMD: prior to June 1st, 2018), and was therefore a candidate for classification through an automated scoring system. Utilizing variant allele frequency, disease prevalence and penetrance estimates, and inheritance mode, an automated score was calculated to assess if this variant is too frequent to cause the disease. Based on the score and internal cut-off values, a variant classified as likely benign is not then subjected to further curation. The score for this variant resulted in a classification of likely benign for this disease.

Illumina Laboratory Services, Illumina
Classification: Likely benign for Distal hereditary motor neuronopathy type 5. Last evaluated: 2018-01-12. Review status: criteria provided, single submitter. Criteria: ICSL Variant Classification Criteria 13 December 2019. Collection method: clinical testing. Allele origin: germline.
Comment: the same text as in the submission from Illumina Laboratory Services, Illumina above.

NM_002047.4(GARS1):c.765G>A (p.Ala255=)

Gene: GARS1 (glycyl-tRNA synthetase 1; plus strand). Cytogenetic location: 7p14.3.
Variant type: single nucleotide variant.
Coding change: c.765G>A on transcript NM_002047.4 (MANE Select); coding-DNA position 765, G replaced by A.
Protein change: p.Ala255=; no amino-acid change (alanine 255 retained).
Molecular consequence: synonymous variant.
Genome position (GRCh38, 1-based): chr7:30,609,614, G>A. VCF-style: chr7-30609614-G-A. GRCh37 (hg19) VCF-style: chr7-30649230-G-A.
Other names: c.603G>A, p.Ala201= (NM_001316772.1); c.765G>A (LRG_243t1).
Identifiers: ClinVar variation 360006 (VCV000360006.55), dbSNP rs201447520, ClinGen allele CA4205820.
Genomic context (GRCh38, chr7:30,609,614, plus strand): 5'-TTTTACACTAATTTCTTTATATGTCTTTTAGCTTGATAACTATGGACAGCAAGAACTTGC[G>A]GATCTTTTTGTGAACTATAATGTAAAATCTCCCATTACTGGAAATGATCTATCCCCTCCA-3'
Protein context (NP_002038.2, residues 245-265): QLDNYGQQEL[Ala255=]DLFVNYNVKS